The following is an entry in ClinVar:

ClinVar aggregate classification (germline): Conflicting classifications of pathogenicity. Review status: criteria provided, conflicting classifications (1 of 4 stars). 4 submissions from 4 submitters: Uncertain significance (2); Likely benign (1). 1 of the submissions does not count toward it. Last evaluated 2023-06-06.

Conditions:
SZT2-related disorder. Also called: SZT2-related condition.
Developmental and epileptic encephalopathy. Identifiers: MedGen C5779964, MONDO:0100620.
Developmental and epileptic encephalopathy, 18 (DEE18). Also called: Early infantile epileptic encephalopathy 18. Identifiers: Orphanet 369894, MedGen C3809624, MONDO:0014201, OMIM 615476.

Allele frequency attached by ClinVar (database versions not stated): gnomAD exomes 0.00002; gnomAD 0.00008; TOPMed 0.00013; 1000 Genomes Project 30x 0.00016; 1000 Genomes Project 0.00020.
gnomAD v4.1: 96 of 1,591,584 alleles (0.006%); highest among the groups gnomAD compares: East Asian, 0.074%; 3 homozygotes.

Submissions (4):

Molecular Genetics, Royal Melbourne Hospital
Classification: Uncertain significance for Developmental and epileptic encephalopathy. Last evaluated: 2023-06-06. Review status: criteria provided, single submitter. Criteria: ACMG Guidelines, 2015. Collection method: clinical testing. Allele origin: germline. Inheritance: Autosomal recessive inheritance.
Comment: This sequence change in SZT2 is predicted to replace valine with leucine at codon 1063, p.(Val1063Leu). Conservation of the valine residue is not assessable (100 vertebrates, UCSC), and it is not located in an annotated functional domain. There is a small physicochemical difference between valine and leucine. The highest population minor allele frequency in the population database gnomAD v3.1 is 0.2% (10/5,178 alleles) in the East Asian population. To our knowledge, this variant has not been previously reported in the relevant scientific literature and has been reported as a variant of uncertain significance (ClinVar ID: 1098584). Computational evidence is unavailable for the missense substitution. Based on the classification scheme RMH Modified ACMG Guidelines v1.6.1, this variant is classified as a VARIANT OF UNCERTAIN SIGNIFICANCE. Following criteria are met: none.

Blueprint Genetics
Classification: Likely benign. Last evaluated: 2022-12-16. Review status: criteria provided, single submitter. Criteria: ACMG Guidelines, 2015. Collection method: clinical testing. Allele origin: germline.

New York Genome Center
Classification: Uncertain significance for Developmental and epileptic encephalopathy, 18. Last evaluated: 2020-05-29. Review status: criteria provided, single submitter. Criteria: NYGC Assertion Criteria 2020. Collection method: clinical testing. Allele origin: inherited. Observed: 1 heterozygote. Study: CSER-NYCKidSeq.

PreventionGenetics, part of Exact Sciences
Classification: Likely benign for SZT2-related condition. Last evaluated: 2024-05-09. Review status: no assertion criteria provided. Collection method: clinical testing. Allele origin: germline. Not counted in ClinVar's aggregate classification.
Comment: This variant is classified as likely benign based on ACMG/AMP sequence variant interpretation guidelines (Richards et al. 2015 PMID: 25741868, with internal and published modifications).

NM_001365999.1(SZT2):c.3187G>T (p.Val1063Leu)

Gene: SZT2 (SZT2 subunit of KICSTOR complex; plus strand). Cytogenetic location: 1p34.2.
Variant type: single nucleotide variant.
Coding change: c.3187G>T on transcript NM_001365999.1 (MANE Select); coding-DNA position 3187, G replaced by T.
Protein change: p.Val1063Leu; replaces valine 1063 with leucine.
Molecular consequence: missense variant. On other transcripts: intron variant (1).
Genome position (GRCh38, 1-based): chr1:43,426,511, G>T. VCF-style: chr1-43426511-G-T. GRCh37 (hg19) VCF-style: chr1-43892182-G-T.
Other names: c.3044-204G>T (NM_015284.4); short protein forms V1063L.
Identifiers: ClinVar variation 1098584 (VCV001098584.4), dbSNP rs369627050, ClinGen allele CA21634098.